The following is an entry in ClinVar:

ClinVar aggregate classification (germline): Pathogenic. Review status: criteria provided, multiple submitters, no conflicts (2 of 4 stars). 3 submissions from 3 submitters: Pathogenic (3). Last evaluated 2025-08-25.

Conditions:
KIF7-related disorder. Also called: KIF7-related condition.
Acrocallosal syndrome (ACLS). Also called: HALLUX DUPLICATION, POSTAXIAL POLYDACTYLY, AND ABSENCE OF CORPUS CALLOSUM; Schinzel syndrome 1; Absence of corpus callosum with unusual facial appearance, mental deficiency, duplication of the halluces and polydactyly. Identifiers: Orphanet 36, MedGen C0796147, MONDO:0008708, OMIM 200990.

Allele frequency attached by ClinVar (database versions not stated): gnomAD exomes 0.00001; gnomAD 0.00002; ExAC 0.00003; TOPMed 0.00003.
gnomAD v4.1: 12 of 1,562,688 alleles (0.00077%); highest among the groups gnomAD compares: Non-Finnish European, 0.001%; no homozygotes.

Submissions (3):

Daryl Scott Lab, Baylor College of Medicine
Classification: Pathogenic for KIF7-related disorder. Last evaluated: 2025-08-25. Review status: criteria provided, single submitter. Criteria: ACMG Guidelines, 2015. Collection method: clinical testing. Allele origin: paternal. Affected: yes. Observed: 1 compound heterozygote.
Comment: PS4, PM3, PP3

Labcorp Genetics (formerly Invitae), Labcorp
Classification: Pathogenic for Acrocallosal syndrome. Last evaluated: 2024-12-03. Review status: criteria provided, single submitter. Criteria: Invitae Variant Classification Sherloc (09022015). Collection method: clinical testing. Allele origin: germline.
Comment: This sequence change falls in intron 12 of the KIF7 gene. It does not directly change the encoded amino acid sequence of the KIF7 protein. It affects a nucleotide within the consensus splice site. This variant is present in population databases (rs774403667, gnomAD 0.005%). This variant has been observed in individual(s) with acrocallosal syndrome (PMID: 23125460, 29321670, 31399769). In at least one individual the data is consistent with being in trans (on the opposite chromosome) from a pathogenic variant. ClinVar contains an entry for this variant (Variation ID: 427889). Variants that disrupt the consensus splice site are a relatively common cause of aberrant splicing (PMID: 17576681, 9536098). Algorithms developed to predict the effect of sequence changes on RNA splicing suggest that this variant may disrupt the consensus splice site. For these reasons, this variant has been classified as Pathogenic.

Institute of Medical Genetics, University of Zurich
Classification: Pathogenic for Acrocallosal syndrome. Last evaluated: 2017-05-18. Review status: criteria provided, single submitter. Criteria: ACMG Guidelines, 2015. Collection method: clinical testing. Allele origin: inherited. Affected: yes. Observed: 1 compound heterozygote, 1 homozygote.

Literature cited by the submitters: PubMed 23125460 (cited by Labcorp Genetics (formerly Invitae), Labcorp); PubMed 29321670 (cited by Labcorp Genetics (formerly Invitae), Labcorp and Institute of Medical Genetics, University of Zurich); PubMed 31399769 (cited by Labcorp Genetics (formerly Invitae), Labcorp); PubMed 17576681 (cited by Labcorp Genetics (formerly Invitae), Labcorp); PubMed 9536098 (cited by Labcorp Genetics (formerly Invitae), Labcorp).

NM_198525.3(KIF7):c.2593-3C>G

Gene: KIF7 (kinesin family member 7; minus strand). Cytogenetic location: 15q26.1.
Variant type: single nucleotide variant.
Coding change: c.2593-3C>G on transcript NM_198525.3 (MANE Select); 3 bases into the intron before coding-DNA position 2593, C replaced by G.
Molecular consequence: intron variant.
Genome position (GRCh38, 1-based): chr15:89,633,269, G>C on the plus strand (C>G on the coding strand, the complement: KIF7 is on the minus strand). VCF-style: chr15-89633269-G-C. GRCh37 (hg19) VCF-style: chr15-90176500-G-C.
Identifiers: ClinVar variation 427889 (VCV000427889.8), dbSNP rs774403667, ClinGen allele CA7728069.